The following is an entry in ClinVar:

ClinVar aggregate classification (germline): Benign/Likely benign. Review status: criteria provided, multiple submitters, no conflicts (2 of 4 stars). 2 submissions from 2 submitters: Benign (1); Likely benign (1). Last evaluated 2024-08-05.

Conditions:
Juvenile polyposis syndrome (JPS). Identifiers: Orphanet 2929, MedGen C0345893, MONDO:0017380, OMIM 174900.
Hereditary cancer-predisposing syndrome. Also called: Hereditary neoplastic syndrome; Neoplastic Syndromes, Hereditary; Tumor predisposition; Hereditary Cancer Syndrome. Identifiers: Orphanet 140162, MedGen C0027672, MeSH D009386, MONDO:0015356.

Submissions (2):

Myriad Genetics, Inc.
Classification: Benign for Juvenile polyposis syndrome. Last evaluated: 2024-08-05. Review status: criteria provided, single submitter. Criteria: Myriad Autosomal Dominant, Autosomal Recessive and X-Linked Classification Criteria (2023). Collection method: clinical testing. Allele origin: unknown.
Comment: This variant is considered benign. This variant is a silent/synonymous amino acid change and it is not expected to impact splicing.

Ambry Genetics
Classification: Likely benign for Hereditary cancer-predisposing syndrome. Last evaluated: 2017-04-03. Review status: criteria provided, single submitter. Criteria: Ambry Variant Classification Scheme 2023. Collection method: clinical testing. Allele origin: germline.

NM_004329.3(BMPR1A):c.951C>T (p.Leu317=)

Gene: BMPR1A (bone morphogenetic protein receptor type 1A; plus strand). Cytogenetic location: 10q23.2.
Variant type: single nucleotide variant.
Coding change: c.951C>T on transcript NM_004329.3 (MANE Select); coding-DNA position 951, C replaced by T.
Protein change: p.Leu317=; no amino-acid change (leucine 317 retained).
Molecular consequence: synonymous variant.
Genome position (GRCh38, 1-based): chr10:86,919,254, C>T. VCF-style: chr10-86919254-C-T. GRCh37 (hg19) VCF-style: chr10-88679011-C-T.
Identifiers: ClinVar variation 485373 (VCV000485373.6), dbSNP rs908671564, ClinGen allele CA211208598.